The following is an entry in ClinVar:

ClinVar aggregate classification (germline): Uncertain significance (1 of 4 stars; one submission).

Submission:

Labcorp Genetics (formerly Invitae), Labcorp
Classification: Uncertain significance. Last evaluated: 2024-10-15. Review status: criteria provided, single submitter. Criteria: Invitae Variant Classification Sherloc (09022015). Collection method: clinical testing. Allele origin: germline.
Comment: This sequence change falls in intron 13 of the TRPV6 gene. It does not directly change the encoded amino acid sequence of the TRPV6 protein. This variant is not present in population databases (gnomAD no frequency). This variant has not been reported in the literature in individuals affected with TRPV6-related conditions. Algorithms developed to predict the effect of sequence changes on RNA splicing suggest that this variant may disrupt the consensus splice site. In summary, the available evidence is currently insufficient to determine the role of this variant in disease. Therefore, it has been classified as a Variant of Uncertain Significance.

NM_018646.6(TRPV6):c.1909-5C>G

Gene: TRPV6 (transient receptor potential cation channel subfamily V member 6; minus strand). Cytogenetic location: 7q34.
Variant type: single nucleotide variant.
Coding change: c.1909-5C>G on transcript NM_018646.6 (MANE Select); 5 bases into the intron before coding-DNA position 1909, C replaced by G.
Molecular consequence: intron variant.
Genome position (GRCh38, 1-based): chr7:142,872,483, G>C on the plus strand (C>G on the coding strand, the complement: TRPV6 is on the minus strand). VCF-style: chr7-142872483-G-C. GRCh37 (hg19) VCF-style: chr7-142570236-G-C.
Identifiers: ClinVar variation 3621603 (VCV003621603.2).